The following is an entry in ClinVar:

ClinVar aggregate classification (germline): Uncertain significance (1 of 4 stars; one submission).

Conditions:
Long QT syndrome (LQTS). Identifiers: MedGen C0023976, MeSH D008133, MONDO:0002442. Disease mechanism: loss of function. Inheritance: Various modes of inheritance.

Submission:

All of Us Research Program, National Institutes of Health
Classification: Uncertain significance for Long QT syndrome. Last evaluated: 2023-11-20. Review status: criteria provided, single submitter. Criteria: ACMG Guidelines, 2015. Collection method: clinical testing. Allele origin: germline. Inheritance: Autosomal dominant inheritance. Observed: 1 variant allele, 1 heterozygote.
Comment: This missense variant replaces serine with alanine at codon 649 of the KCNH2 protein. Computational prediction is inconclusive regarding the impact of this variant on protein structure and function (internally defined REVEL score threshold 0.5 < inconclusive < 0.7, PMID: 27666373). To our knowledge, functional studies have not been reported for this variant. This variant has not been reported in individuals affected with KCNH2-related disorders in the literature. This variant has not been identified in the general population by the Genome Aggregation Database (gnomAD). The available evidence is insufficient to determine the role of this variant in disease conclusively. Therefore, this variant is classified as a Variant of Uncertain Significance.

This study involves interpretation of variants in research participants for the purpose of population health screening. Participant phenotype was not available at the time of variant classification. Additional details can be found in publication PMID: 35346344, PMCID: PMC8962531

NM_000238.4(KCNH2):c.1945T>G (p.Ser649Ala)

Gene: KCNH2 (potassium voltage-gated channel subfamily H member 2; minus strand). Cytogenetic location: 7q36.1.
Variant type: single nucleotide variant.
Coding change: c.1945T>G on transcript NM_000238.4 (MANE Select); coding-DNA position 1945, T replaced by G.
Protein change: p.Ser649Ala; replaces serine 649 with alanine.
Molecular consequence: missense variant. On other transcripts: non-coding transcript variant (2).
Genome position (GRCh38, 1-based): chr7:150,951,448, A>C on the plus strand (T>G on the coding strand, the complement: KCNH2 is on the minus strand). VCF-style: chr7-150951448-A-C. GRCh37 (hg19) VCF-style: chr7-150648536-A-C.
Other names: c.925T>G, p.Ser309Ala (NM_001204798.2, NM_172057.3); c.1657T>G, p.Ser553Ala (NM_001406753.1, NM_001406756.1); c.1768T>G, p.Ser590Ala (NM_001406755.1); c.1645T>G, p.Ser549Ala (NM_001406757.1); c.1945T>G, p.Ser649Ala (NM_172056.3); short protein forms S309A, S549A, S553A, S590A, S649A.
Identifiers: ClinVar variation 3074542 (VCV003074542.1), dbSNP rs199473530, ClinGen allele CA369857800.